The following is an entry in ClinVar:

ClinVar aggregate classification (germline): Uncertain significance (1 of 4 stars; one submission).

Conditions:
Dilated cardiomyopathy 1G (CMD1G). Identifiers: Orphanet 154, MedGen C1858763, MONDO:0011400, OMIM 604145.
Autosomal recessive limb-girdle muscular dystrophy type 2J (LGMDR10). Also called: MUSCULAR DYSTROPHY, LIMB-GIRDLE, AUTOSOMAL RECESSIVE 10; Limb-girdle muscular dystrophy, type 2J. Identifiers: Orphanet 140922, MedGen C1837342, MONDO:0012127, OMIM 608807.

Submission:

Labcorp Genetics (formerly Invitae), Labcorp
Classification: Uncertain significance for Dilated cardiomyopathy 1G; Autosomal recessive limb-girdle muscular dystrophy type 2J. Last evaluated: 2022-07-19. Review status: criteria provided, single submitter. Criteria: Invitae Variant Classification Sherloc (09022015). Collection method: clinical testing. Allele origin: germline.
Comment: In summary, the available evidence is currently insufficient to determine the role of this variant in disease. Therefore, it has been classified as a Variant of Uncertain Significance. This variant disrupts the I band(s) of TTN (PMID: 25589632). Copy number variants in TTN have been previously reported in individuals affected with neuromuscular disorders (PMID: 29792937, 30238059), but the functional significance of this variant is currently unknown. This variant has not been reported in the literature in individuals affected with TTN-related conditions. This variant is a gross deletion of the genomic region encompassing exon(s) 213 of the TTN gene. This variant would be expected to be in-frame, preserving the integrity of the reading frame.

Literature cited by the submitters: PubMed 25589632; PubMed 29792937; PubMed 30238059.

NC_000002.11:g.(?_179513965)_(179514068_?)del

Gene: TTN (titin; minus strand). Cytogenetic location: 2q31.2.
Variant type: Deletion.
Identifiers: ClinVar variation 1432152 (VCV001432152.9).